The following is an entry in ClinVar:

NM_001611.5(ACP5):c.225C>T (p.Phe75=)

Gene: ACP5 (acid phosphatase 5, tartrate resistant; minus strand). Cytogenetic location: 19p13.2.
Variant type: single nucleotide variant.
Coding change: c.225C>T on transcript NM_001611.5 (MANE Select); coding-DNA position 225, C replaced by T.
Protein change: p.Phe75=; no amino-acid change (phenylalanine 75 retained).
Molecular consequence: synonymous variant.
Genome position (GRCh38, 1-based): chr19:11,577,093, G>A on the plus strand (C>T on the coding strand, the complement: ACP5 is on the minus strand). VCF-style: chr19-11577093-G-A. GRCh37 (hg19) VCF-style: chr19-11687908-G-A.
Other names: p.Phe75=; c.225C>T, p.Phe75= (NM_001111034.3, NM_001111035.3, NM_001111036.3 and 1 more transcripts).
Identifiers: ClinVar variation 257477 (VCV000257477.23), dbSNP rs62638747, ClinGen allele CA9215507.

ClinVar aggregate classification (germline): Benign/Likely benign. Review status: criteria provided, multiple submitters, no conflicts (2 of 4 stars). 10 submissions from 10 submitters: Benign (9); Likely benign (1). Last evaluated 2026-02-04.

Conditions:
Spondyloenchondrodysplasia with immune dysregulation (SPENCDI). Also called: SPONDYLOENCHONDRODYSPLASIA WITH OR WITHOUT IMMUNE DYSREGULATION; ROIFMAN IMMUNOSKELETAL SYNDROME; COMBINED IMMUNODEFICIENCY WITH AUTOIMMUNITY AND SPONDYLOMETAPHYSEAL DYSPLASIA. Identifiers: Orphanet 1855, MedGen C1842763, MONDO:0011939, OMIM 607944.

Allele frequency attached by ClinVar (database versions not stated): gnomAD 0.09420 and 0.09352; ExAC 0.09851; gnomAD exomes 0.10044 and 0.11608; 1000 Genomes Project 0.06470; 1000 Genomes Project 30x 0.06480; TOPMed 0.08734; ESP Exome Variant Server 0.09157.
gnomAD v4.1: 183,734 of 1,613,984 alleles (11%); highest among the groups gnomAD compares: Middle Eastern, 17%; 11,166 homozygotes.

Submissions (10):

Labcorp Genetics (formerly Invitae), Labcorp
Classification: Benign for Spondyloenchondrodysplasia with immune dysregulation. Last evaluated: 2026-02-04. Review status: criteria provided, single submitter. Criteria: Invitae Variant Classification Sherloc (09022015). Collection method: clinical testing. Allele origin: germline.

Women's Health and Genetics/Laboratory Corporation of America, LabCorp
Classification: Benign. Last evaluated: 2026-01-21. Review status: criteria provided, single submitter. Criteria: LabCorp Variant Classification Summary - May 2015. Collection method: clinical testing. Allele origin: germline.

Blueprint Genetics
Classification: Likely benign. Last evaluated: 2024-11-28. Review status: criteria provided, single submitter. Criteria: ACMG Guidelines, 2015. Collection method: clinical testing. Allele origin: germline.

Unidad de Genómica Garrahan, Hospital de Pediatría Garrahan
Classification: Benign. Last evaluated: 2024-01-24. Review status: criteria provided, single submitter. Criteria: ACMG Guidelines, 2015. Collection method: clinical testing. Allele origin: germline. Affected: no. Observed: 21 variant alleles.
Comment: This variant is classified as Benign based on local population frequency. This variant was detected in 24% of patients studied by a panel of primary immunodeficiencies. Number of patients: 21. Only high quality variants are reported.

Mayo Clinic Laboratories, Mayo Clinic
Classification: Benign. Last evaluated: 2022-09-06. Review status: criteria provided, single submitter. Criteria: ACMG Guidelines, 2015. Collection method: clinical testing. Allele origin: germline. Observed: 94 variant alleles.

Genome-Nilou Lab
Classification: Benign for Spondyloenchondrodysplasia with immune dysregulation. Last evaluated: 2021-07-14. Review status: criteria provided, single submitter. Criteria: ACMG Guidelines, 2015. Collection method: clinical testing. Allele origin: germline. Affected: no.

GeneDx
Classification: Benign. Last evaluated: 2018-11-10. Review status: criteria provided, single submitter. Criteria: GeneDx Variant Classification Process June 2021. Collection method: clinical testing. Allele origin: germline. Affected: yes.

Laboratory for Molecular Medicine, Mass General Brigham Personalized Medicine
Classification: Benign. Last evaluated: 2016-03-28. Review status: criteria provided, single submitter. Criteria: LMM Criteria. Collection method: clinical testing. Allele origin: germline.
Comment: Variant identified in a genome or exome case(s) and assessed due to predicted null impact of the variant or pathogenic assertions in the literature or databases. Disclaimer: This variant has not undergone full assessment. The following are preliminary notes: Frequency

Breakthrough Genomics
Classification: Benign. Review status: criteria provided, single submitter. Criteria: ACMG Guidelines, 2015. Collection method: not provided. Allele origin: germline. Inheritance: Autosomal recessive inheritance. Affected: yes.

PreventionGenetics, part of Exact Sciences
Classification: Benign. Review status: criteria provided, single submitter. Criteria: ACMG Guidelines, 2015. Collection method: clinical testing. Allele origin: germline.